The following is an entry in ClinVar:

ClinVar aggregate classification (germline): Uncertain significance (1 of 4 stars; one submission).

Conditions:
Developmental delay, behavioral abnormalities, and neuropsychiatric disorders (DEDBANP). Identifiers: MedGen C5774224, MONDO:0859292, OMIM 620065.

Submission:

Juno Genomics, Hangzhou Juno Genomics, Inc
Classification: Uncertain significance for Developmental delay, behavioral abnormalities, and neuropsychiatric disorders. Review status: criteria provided, single submitter. Criteria: ACMG Guidelines, 2015. Collection method: clinical testing. Allele origin: germline.
Comment: Absent from controls (or at extremely low frequency if recessive) in Genome Aggregation Database.;Multiple lines of computational evidence support a deleterious effect on the gene or gene product.

NM_014921.5(ADGRL1):c.1423T>C (p.Cys475Arg)

Genes: ADGRL1 (adhesion G protein-coupled receptor L1; minus strand), ADGRL1-AS1 (ADGRL1 antisense RNA 1; plus strand). Cytogenetic location: 19p13.12.
Variant type: single nucleotide variant.
Coding change: c.1423T>C on transcript NM_014921.5 (MANE Select); coding-DNA position 1423, T replaced by C.
Protein change: p.Cys475Arg; replaces cysteine 475 with arginine.
Molecular consequence: missense variant.
Genome position (GRCh38, 1-based): chr19:14,161,399, A>G on the plus strand (T>C on the coding strand, the complement: ADGRL1 is on the minus strand). VCF-style: chr19-14161399-A-G. GRCh37 (hg19) VCF-style: chr19-14272211-A-G.
Other names: c.1438T>C, p.Cys480Arg (NM_001008701.3); short protein forms C475R, C480R.
Identifiers: ClinVar variation 5005946 (VCV005005946.2).